The following is an entry in ClinVar:

ClinVar aggregate classification (germline): Benign (1 of 4 stars; one submission).

Allele frequency attached by ClinVar (database versions not stated): 1000 Genomes Project 30x 0.45237; 1000 Genomes Project 0.45447; TOPMed 0.50261; gnomAD 0.50963 and 0.51246.
gnomAD v4.1: 77,991 of 151,996 alleles (51%); highest among the groups gnomAD compares: Non-Finnish European, 63%; 22,178 homozygotes.

Submission:

GeneDx
Classification: Benign. Last evaluated: 2018-06-19. Review status: criteria provided, single submitter. Criteria: GeneDx Variant Classification (06012015). Collection method: clinical testing. Allele origin: germline. Affected: yes.
Comment: This variant is considered likely benign or benign based on one or more of the following criteria: it is a conservative change, it occurs at a poorly conserved position in the protein, it is predicted to be benign by multiple in silico algorithms, and/or has population frequency not consistent with disease.

NM_006846.4(SPINK5):c.2112+278G>A

Gene: SPINK5 (serine peptidase inhibitor Kazal type 5; plus strand). Cytogenetic location: 5q32.
Variant type: single nucleotide variant.
Coding change: c.2112+278G>A on transcript NM_006846.4 (MANE Select); 278 bases into the intron after coding-DNA position 2112, G replaced by A.
Molecular consequence: intron variant.
Genome position (GRCh38, 1-based): chr5:148,116,744, G>A. VCF-style: chr5-148116744-G-A. GRCh37 (hg19) VCF-style: chr5-147496307-G-A.
Other names: c.2112+278G>A (NM_001127698.2, NM_001127699.2).
Identifiers: ClinVar variation 667631 (VCV000667631.1), dbSNP rs2052532, ClinGen allele CA15375130.